The following is an entry in ClinVar:

ClinVar aggregate classification (germline): Uncertain significance (1 of 4 stars; one submission).

Conditions:
Familial episodic pain syndrome with predominantly lower limb involvement. Also called: Episodic pain syndrome, familial, 3. Identifiers: Orphanet 391384, Orphanet 391392, MedGen C3809899, MONDO:0014247, OMIM 615552.
Hereditary sensory and autonomic neuropathy type 7. Also called: HSAN VII; Neuropathy, hereditary sensory and autonomic, type VII. Identifiers: Orphanet 391397, MedGen C3809882, MONDO:0014244, OMIM 615548.

Submission:

Labcorp Genetics (formerly Invitae), Labcorp
Classification: Uncertain significance for Familial episodic pain syndrome with predominantly lower limb involvement; Hereditary sensory and autonomic neuropathy type 7. Last evaluated: 2023-06-17. Review status: criteria provided, single submitter. Criteria: Invitae Variant Classification Sherloc (09022015). Collection method: clinical testing. Allele origin: germline.
Comment: This sequence change replaces methionine, which is neutral and non-polar, with arginine, which is basic and polar, at codon 276 of the SCN11A protein (p.Met276Arg). This variant is not present in population databases (gnomAD no frequency). In summary, the available evidence is currently insufficient to determine the role of this variant in disease. Therefore, it has been classified as a Variant of Uncertain Significance. Advanced modeling of protein sequence and biophysical properties (such as structural, functional, and spatial information, amino acid conservation, physicochemical variation, residue mobility, and thermodynamic stability) has been performed at Invitae for this missense variant, however the output from this modeling did not meet the statistical confidence thresholds required to predict the impact of this variant on SCN11A protein function. This variant has not been reported in the literature in individuals affected with SCN11A-related conditions.

NM_001349253.2(SCN11A):c.827T>G (p.Met276Arg)

Gene: SCN11A (sodium voltage-gated channel alpha subunit 11; minus strand). Cytogenetic location: 3p22.2.
Variant type: single nucleotide variant.
Coding change: c.827T>G on transcript NM_001349253.2 (MANE Select); coding-DNA position 827, T replaced by G.
Protein change: p.Met276Arg; replaces methionine 276 with arginine.
Molecular consequence: missense variant.
Genome position (GRCh38, 1-based): chr3:38,921,141, A>C on the plus strand (T>G on the coding strand, the complement: SCN11A is on the minus strand). VCF-style: chr3-38921141-A-C. GRCh37 (hg19) VCF-style: chr3-38962632-A-C.
Other names: c.827T>G, p.Met276Arg (NM_014139.3); short protein forms M276R.
Identifiers: ClinVar variation 2948389 (VCV002948389.3), dbSNP rs751890412, ClinGen allele CA352172160.